The following is an entry in ClinVar:

NM_004836.7(EIF2AK3):c.1711G>A (p.Glu571Lys)

Gene: EIF2AK3 (eukaryotic translation initiation factor 2 alpha kinase 3; minus strand). Cytogenetic location: 2p11.2.
Variant type: single nucleotide variant.
Coding change: c.1711G>A on transcript NM_004836.7 (MANE Select); coding-DNA position 1711, G replaced by A.
Protein change: p.Glu571Lys; replaces glutamic acid 571 with lysine.
Molecular consequence: missense variant.
Genome position (GRCh38, 1-based): chr2:88,583,482, C>T on the plus strand (G>A on the coding strand, the complement: EIF2AK3 is on the minus strand). VCF-style: chr2-88583482-C-T. GRCh37 (hg19) VCF-style: chr2-88883000-C-T.
Other names: c.1258G>A, p.Glu420Lys (NM_001313915.2); short protein forms E571K, E420K.
Identifiers: ClinVar variation 2057399 (VCV002057399.4), dbSNP rs1353851715, ClinGen allele CA347594063.

ClinVar aggregate classification (germline): Uncertain significance (1 of 4 stars; one submission).

Submission:

Labcorp Genetics (formerly Invitae), Labcorp
Classification: Uncertain significance. Last evaluated: 2022-06-04. Review status: criteria provided, single submitter. Criteria: Invitae Variant Classification Sherloc (09022015). Collection method: clinical testing. Allele origin: germline.
Comment: This variant has not been reported in the literature in individuals affected with EIF2AK3-related conditions. In summary, the available evidence is currently insufficient to determine the role of this variant in disease. Therefore, it has been classified as a Variant of Uncertain Significance. Algorithms developed to predict the effect of sequence changes on RNA splicing suggest that this variant may disrupt the consensus splice site. Algorithms developed to predict the effect of missense changes on protein structure and function (SIFT, PolyPhen-2, Align-GVGD) all suggest that this variant is likely to be tolerated. The frequency data for this variant in the population databases is considered unreliable, as metrics indicate poor data quality at this position in the gnomAD database. This sequence change replaces glutamic acid, which is acidic and polar, with lysine, which is basic and polar, at codon 571 of the EIF2AK3 protein (p.Glu571Lys).